The following is an entry in ClinVar:

NM_001458.5(FLNC):c.7443del (p.Lys2481fs)

Genes: FLNC (filamin C; plus strand), FLNC-AS1 (FLNC antisense RNA 1; minus strand). Cytogenetic location: 7q32.1.
Variant type: Deletion.
Coding change: c.7443del on transcript NM_001458.5 (MANE Select); coding-DNA position 7443, one base deleted (G; older notation c.7443delG).
Protein change: p.Lys2481fs; shifts the reading frame from lysine 2481.
Molecular consequence: frameshift variant.
Genome position (GRCh38, 1-based): chr7:128,856,803, G deleted. VCF-style (leftmost placement, unchanged base first): chr7-128856802-AG-A. GRCh37 (hg19) VCF-style: chr7-128496856-AG-A.
Other names: c.7344del, p.Lys2448fs (NM_001127487.2); short protein forms K2448fs, K2481fs.
Identifiers: ClinVar variation 4812446 (VCV004812446.1).

ClinVar aggregate classification (germline): Pathogenic (1 of 4 stars; one submission).

Conditions:
Hypertrophic cardiomyopathy 26. Also called: Cardiomyopathy, familial hypertrophic, 26. Identifiers: Orphanet 75249, MedGen C4310749, MONDO:0014883, OMIM 617047.
Myofibrillar myopathy 5. Also called: Filaminopathy (type); FILAMINOPATHY, AUTOSOMAL DOMINANT. Identifiers: Orphanet 171445, MedGen C1836050, MONDO:0012289, OMIM 609524.
Distal myopathy with posterior leg and anterior hand involvement. Also called: WILLIAMS DISTAL MYOPATHY. Identifiers: Orphanet 63273, MedGen C3279722, MONDO:0013550, OMIM 614065.

Submission:

Labcorp Genetics (formerly Invitae), Labcorp
Classification: Pathogenic for Distal myopathy with posterior leg and anterior hand involvement; Myofibrillar myopathy 5; Hypertrophic cardiomyopathy 26. Last evaluated: 2025-09-20. Review status: criteria provided, single submitter. Criteria: Invitae Variant Classification Sherloc (09022015). Collection method: clinical testing. Allele origin: germline.
Comment: This sequence change creates a premature translational stop signal (p.Lys2481Asnfs*48) in the FLNC gene. It is expected to result in an absent or disrupted protein product. Loss-of-function variants in FLNC are known to be pathogenic (PMID: 27908349). This variant is not present in population databases (gnomAD no frequency). This premature translational stop signal has been observed in individual(s) with dilated cardiomyopathy (PMID: 36136372). For these reasons, this variant has been classified as Pathogenic.

Literature cited by the submitters: PubMed 27908349; PubMed 36136372.